The following is an entry in ClinVar:

ClinVar aggregate classification (germline): Uncertain significance (1 of 4 stars; one submission).

Conditions:
Cone-rod dystrophy 7 (CORD7). Identifiers: Orphanet 1872, MedGen C1863634, MONDO:0011355, OMIM 603649.

Allele frequency attached by ClinVar (database versions not stated): TOPMed 0.00001; ExAC 0.00002.
gnomAD v4.1: 20 of 1,598,934 alleles (0.0013%); highest among the groups gnomAD compares: Middle Eastern, 0.15%; no homozygotes.

Submission:

Labcorp Genetics (formerly Invitae), Labcorp
Classification: Uncertain significance. Last evaluated: 2024-02-08. Review status: criteria provided, single submitter. Criteria: Invitae Variant Classification Sherloc (09022015). Collection method: clinical testing. Allele origin: germline.
Comment: This sequence change replaces glycine, which is neutral and non-polar, with cysteine, which is neutral and slightly polar, at codon 523 of the RIMS1 protein (p.Gly523Cys). The frequency data for this variant in the population databases is considered unreliable, as metrics indicate poor data quality at this position in the gnomAD database. This variant has not been reported in the literature in individuals affected with RIMS1-related conditions. ClinVar contains an entry for this variant (Variation ID: 969271). An algorithm developed to predict the effect of missense changes on protein structure and function (PolyPhen-2) suggests that this variant is likely to be disruptive. In summary, the available evidence is currently insufficient to determine the role of this variant in disease. Therefore, it has been classified as a Variant of Uncertain Significance.

NM_014989.7(RIMS1):c.1567G>T (p.Gly523Cys)

Gene: RIMS1 (regulating synaptic membrane exocytosis 1; plus strand). Cytogenetic location: 6q13.
Variant type: single nucleotide variant.
Coding change: c.1567G>T on transcript NM_014989.7 (MANE Select); coding-DNA position 1567, G replaced by T.
Protein change: p.Gly523Cys; replaces glycine 523 with cysteine.
Molecular consequence: missense variant.
Genome position (GRCh38, 1-based): chr6:72,183,038, G>T. VCF-style: chr6-72183038-G-T. GRCh37 (hg19) VCF-style: chr6-72892741-G-T.
Other names: short protein forms G523C.
Identifiers: ClinVar variation 969271 (VCV000969271.11), dbSNP rs778848762, ClinGen allele CA3885727.